The following is an entry in ClinVar:

ClinVar aggregate classification (germline): Uncertain significance (1 of 4 stars; one submission).

Submission:

Labcorp Genetics (formerly Invitae), Labcorp
Classification: Uncertain significance. Last evaluated: 2023-11-01. Review status: criteria provided, single submitter. Criteria: Invitae Variant Classification Sherloc (09022015). Collection method: clinical testing. Allele origin: germline.
Comment: This sequence change replaces isoleucine, which is neutral and non-polar, with leucine, which is neutral and non-polar, at codon 205 of the VPS13D protein (p.Ile205Leu). This variant is not present in population databases (gnomAD no frequency). This variant has not been reported in the literature in individuals affected with VPS13D-related conditions. Advanced modeling of protein sequence and biophysical properties (such as structural, functional, and spatial information, amino acid conservation, physicochemical variation, residue mobility, and thermodynamic stability) performed at Invitae indicates that this missense variant is not expected to disrupt VPS13D protein function with a negative predictive value of 80%. In summary, the available evidence is currently insufficient to determine the role of this variant in disease. Therefore, it has been classified as a Variant of Uncertain Significance.

NM_015378.4(VPS13D):c.613A>C (p.Ile205Leu)

Gene: VPS13D (vacuolar protein sorting 13 homolog D; plus strand). Cytogenetic location: 1p36.22.
Variant type: single nucleotide variant.
Coding change: c.613A>C on transcript NM_015378.4 (MANE Select); coding-DNA position 613, A replaced by C.
Protein change: p.Ile205Leu; replaces isoleucine 205 with leucine.
Molecular consequence: missense variant.
Genome position (GRCh38, 1-based): chr1:12,253,770, A>C. VCF-style: chr1-12253770-A-C. GRCh37 (hg19) VCF-style: chr1-12313827-A-C.
Other names: c.613A>C, p.Ile205Leu (NM_018156.4); short protein forms I205L.
Identifiers: ClinVar variation 2993025 (VCV002993025.3), dbSNP rs61774897, ClinGen allele CA338478349.